The following is an entry in ClinVar:

ClinVar aggregate classification (germline): Pathogenic (1 of 4 stars; one submission).

Conditions:
Familial cancer of breast. Also called: BREAST CANCER, FAMILIAL; Hereditary breast cancer; hereditary breast carcinoma. Identifiers: Orphanet 227535, MedGen C0346153, MONDO:0016419, OMIM 114480. Disease mechanism: loss of function.

Submission:

Myriad Genetics, Inc.
Classification: Pathogenic for Familial cancer of breast. Last evaluated: 2024-01-18. Review status: criteria provided, single submitter. Criteria: Myriad Autosomal Dominant, Autosomal Recessive and X-Linked Classification Criteria (2023). Collection method: clinical testing. Allele origin: unknown.
Comment: This variant is considered pathogenic. This variant creates a frameshift predicted to result in premature protein truncation.

NM_000051.4(ATM):c.2623del (p.Ser875fs)

Gene: ATM (ATM serine/threonine kinase; plus strand). Cytogenetic location: 11q22.3.
Variant type: Deletion.
Coding change: c.2623del on transcript NM_000051.4 (MANE Select); coding-DNA position 2623, one base deleted (A; older notation c.2623delA).
Protein change: p.Ser875fs; shifts the reading frame from serine 875.
Molecular consequence: frameshift variant.
Genome position (GRCh38, 1-based): chr11:108,267,327, A deleted. VCF-style (leftmost placement, unchanged base first): chr11-108267326-GA-G. GRCh37 (hg19) VCF-style: chr11-108138053-GA-G.
Other names: c.2623del, p.Ser875fs (NM_001351834.2); short protein forms S875fs.
Identifiers: ClinVar variation 3148470 (VCV003148470.1), dbSNP rs2497599516, ClinGen allele CA2825001809.